The following is an entry in ClinVar:

NM_004064.5(CDKN1B):c.36C>A (p.Ser12Arg)

Gene: CDKN1B (cyclin dependent kinase inhibitor 1B; plus strand). Cytogenetic location: 12p13.1.
Variant type: single nucleotide variant.
Coding change: c.36C>A on transcript NM_004064.5 (MANE Select); coding-DNA position 36, C replaced by A.
Protein change: p.Ser12Arg; replaces serine 12 with arginine.
Molecular consequence: missense variant.
Genome position (GRCh38, 1-based): chr12:12,717,875, C>A. VCF-style: chr12-12717875-C-A. GRCh37 (hg19) VCF-style: chr12-12870809-C-A.
Other names: short protein forms S12R.
Identifiers: ClinVar variation 2585896 (VCV002585896.2), dbSNP rs778425357, ClinGen allele CA383968061.

ClinVar aggregate classification (germline): Uncertain significance (1 of 4 stars; one submission).

Conditions:
Hereditary cancer-predisposing syndrome. Also called: Hereditary neoplastic syndrome; Tumor predisposition; Hereditary Cancer Syndrome; Neoplastic Syndromes, Hereditary. Identifiers: Orphanet 140162, MedGen C0027672, MeSH D009386, MONDO:0015356.

Submission:

Ambry Genetics
Classification: Uncertain significance for Hereditary cancer-predisposing syndrome. Last evaluated: 2023-07-23. Review status: criteria provided, single submitter. Criteria: Ambry Variant Classification Scheme 2023. Collection method: clinical testing. Allele origin: germline.
Comment: The p.S12R variant (also known as c.36C>A), located in coding exon 1 of the CDKN1B gene, results from a C to A substitution at nucleotide position 36. The serine at codon 12 is replaced by arginine, an amino acid with dissimilar properties. This amino acid position is conserved. In addition, this alteration is predicted to be tolerated by in silico analysis. Since supporting evidence is limited at this time, the clinical significance of this alteration remains unclear.